The following is an entry in ClinVar:

ClinVar aggregate classification (germline): Likely pathogenic (1 of 4 stars; one submission).

Conditions:
Hereditary cancer-predisposing syndrome. Also called: Hereditary Cancer Syndrome; Hereditary neoplastic syndrome; Neoplastic Syndromes, Hereditary; Tumor predisposition. Identifiers: Orphanet 140162, MedGen C0027672, MeSH D009386, MONDO:0015356.

Submissions (2):

Ambry Genetics
Classification: Likely pathogenic for Hereditary cancer-predisposing syndrome. Last evaluated: 2019-09-05. Review status: criteria provided, single submitter. Criteria: Ambry Variant Classification Scheme 2023. Collection method: clinical testing. Allele origin: germline.
Comment: The p.V1809D variant (also known as c.5426T>A), located in coding exon 21 of the BRCA1 gene, results from a T to A substitution at nucleotide position 5426. The valine at codon 1809 is replaced by aspartic acid, an amino acid with highly dissimilar properties. One functional study found that this nucleotide substitution is deleterious in a high throughput genome editing haploid cell survival assay (Findlay GM et al. Nature. 2018 10;562:217-222). Based on internal structural analysis, p.V1809D is highly disruptive to this region of BRCA1 (Ambry internal data; Gaiser OJ et al. Biochemistry. 2004 Dec;43(51):15983-95). This amino acid position is well conserved in available vertebrate species. In addition, this alteration is predicted to be deleterious by in silico analysis. Based on the majority of available evidence to date, this variant is likely to be pathogenic.

Brotman Baty Institute, University of Washington
No classification provided (evidence only). Condition: Breast-ovarian cancer, familial 1. Review status: no classification provided. Collection method: in vitro. Allele origin: not applicable. Functional consequence: functionally_abnormal. Not counted in ClinVar's aggregate classification.
ClinVar note: "not provided" was previously submitted as the classification for the variant. However, the classification appeared to be based only on an observation of functional data so it was converted to no classification on 2025-07-30.

Literature cited by the submitters: PubMed 15609993 (cited by Ambry Genetics); PubMed 30209399 (cited by Ambry Genetics).

NM_007294.4(BRCA1):c.5426T>A (p.Val1809Asp)

Gene: BRCA1 (BRCA1 DNA repair associated; minus strand). Cytogenetic location: 17q21.31.
Variant type: single nucleotide variant.
Coding change: c.5426T>A on transcript NM_007294.4 (MANE Select); coding-DNA position 5426, T replaced by A.
Protein change: p.Val1809Asp; replaces valine 1809 with aspartic acid.
Molecular consequence: missense variant. On other transcripts: synonymous variant (17).
Genome position (GRCh38, 1-based): chr17:43,047,684, A>T on the plus strand (T>A on the coding strand, the complement: BRCA1 is on the minus strand). VCF-style: chr17-43047684-A-T. GRCh37 (hg19) VCF-style: chr17-41199701-A-T.
Other names: c.5213T>A, p.Val1738Asp (NM_001407571.1, NM_001407894.1, NM_001407895.1 and 12 more transcripts); c.5492T>A, p.Val1831Asp (NM_001407581.1, NM_001407582.1); c.5489T>A, p.Val1830Asp (NM_001407583.1, NM_001407585.1, NM_001407587.1 and 1 more transcripts); c.5486T>A, p.Val1829Asp (NM_001407590.1, NM_001407591.1); c.5426T>A, p.Val1809Asp (NM_001407593.1, NM_001407594.1, NM_001407596.1 and 5 more transcripts); c.5423T>A, p.Val1808Asp (NM_001407610.1, NM_001407611.1, NM_001407612.1 and 14 more transcripts); c.5420T>A, p.Val1807Asp (NM_001407627.1, NM_001407628.1, NM_001407629.1 and 13 more transcripts); c.5417T>A, p.Val1806Asp (NM_001407644.1, NM_001407645.1); and 83 more; short protein forms V1809D, V1762D, V1830D, V705D, V1681D, V1719D, V1720D, V1739D.
Identifiers: ClinVar variation 825725 (VCV000825725.7), dbSNP rs80357216, ClinGen allele CA10590589.